The following is an entry in ClinVar:

ClinVar aggregate classification (germline): Pathogenic (1 of 4 stars; one submission).

Conditions:
Sjögren-Larsson syndrome (SLS). Also called: FALDH DEFICIENCY; FATTY ALCOHOL:NAD+ OXIDOREDUCTASE DEFICIENCY; FATTY ALDEHYDE DEHYDROGENASE DEFICIENCY; ICHTHYOSIS, SPASTIC NEUROLOGIC DISORDER, AND OLIGOPHRENIA. Identifiers: Orphanet 816, MedGen C0037231, MONDO:0010031, OMIM 270200.

gnomAD v4.1: 2 of 1,614,208 alleles (0.00012%); highest among the groups gnomAD compares: South Asian, 0.0022%; no homozygotes.

Submission:

Natera, Inc.
Classification: Pathogenic for Sjögren-Larsson syndrome. Last evaluated: 2025-12-22. Review status: criteria provided, single submitter. Criteria: Natera Variant Classification Schema (03/2026). Collection method: clinical testing. Allele origin: germline.
Comment: The c.199G>T variant in ALDH3A2 is a nonsense variant predicted to introduce a stop codon at amino acid 67. This variant is expected to result in nonsense mediated decay, truncation, or a dysfunctional protein product. This variant is rare in the general population with a frequency below the threshold expected for the associated phenotype(s). This variant has been observed in one or more individuals affected with the associated recessive disease, as either homozygous or compound heterozygous with a second variant (PMID: 34082469). Given the available evidence, this variant is classified as Pathogenic.

Literature cited by the submitters: PubMed 34082469.

NM_000382.3(ALDH3A2):c.199G>T (p.Glu67Ter)

Gene: ALDH3A2 (aldehyde dehydrogenase 3 family member A2; plus strand). Cytogenetic location: 17p11.2.
Variant type: single nucleotide variant.
Coding change: c.199G>T on transcript NM_000382.3 (MANE Select); coding-DNA position 199, G replaced by T.
Protein change: p.Glu67Ter; replaces glutamic acid 67 with a stop codon.
Molecular consequence: nonsense. On other transcripts: 5 prime UTR variant (1).
Genome position (GRCh38, 1-based): chr17:19,651,592, G>T. VCF-style: chr17-19651592-G-T. GRCh37 (hg19) VCF-style: chr17-19554905-G-T.
Other names: c.199G>T, p.Glu67Ter (NM_001031806.2, NM_001369136.1, NM_001369137.2 and 3 more transcripts); c.-490G>T (NM_001369148.2); short protein forms E67*.
Identifiers: ClinVar variation 4818279 (VCV004818279.2).